The following is an entry in ClinVar:

NM_000275.3(OCA2):c.647C>T (p.Ser216Phe)

Gene: OCA2 (OCA2 melanosomal transmembrane protein; minus strand). Cytogenetic location: 15q13.1.
Variant type: single nucleotide variant.
Coding change: c.647C>T on transcript NM_000275.3 (MANE Select); coding-DNA position 647, C replaced by T.
Protein change: p.Ser216Phe; replaces serine 216 with phenylalanine.
Molecular consequence: missense variant.
Genome position (GRCh38, 1-based): chr15:28,018,557, G>A on the plus strand (C>T on the coding strand, the complement: OCA2 is on the minus strand). VCF-style: chr15-28018557-G-A. GRCh37 (hg19) VCF-style: chr15-28263703-G-A.
Other names: c.647C>T, p.Ser216Phe (NM_001300984.2); short protein forms S216F.
Identifiers: ClinVar variation 1347117 (VCV001347117.8), dbSNP rs2141261889, ClinGen allele CA391366497.

ClinVar aggregate classification (germline): Uncertain significance (1 of 4 stars; one submission).

Submission:

Labcorp Genetics (formerly Invitae), Labcorp
Classification: Uncertain significance. Last evaluated: 2024-02-17. Review status: criteria provided, single submitter. Criteria: Invitae Variant Classification Sherloc (09022015). Collection method: clinical testing. Allele origin: germline.
Comment: This sequence change replaces serine, which is neutral and polar, with phenylalanine, which is neutral and non-polar, at codon 216 of the OCA2 protein (p.Ser216Phe). This variant is not present in population databases (gnomAD no frequency). This variant has not been reported in the literature in individuals affected with OCA2-related conditions. ClinVar contains an entry for this variant (Variation ID: 1347117). An algorithm developed to predict the effect of missense changes on protein structure and function (PolyPhen-2) suggests that this variant is likely to be disruptive. In summary, the available evidence is currently insufficient to determine the role of this variant in disease. Therefore, it has been classified as a Variant of Uncertain Significance.